The following is an entry in ClinVar:

NM_024753.5(TTC21B):c.1883G>T (p.Arg628Leu)

Gene: TTC21B (tetratricopeptide repeat domain 21B; minus strand). Cytogenetic location: 2q24.3.
Variant type: single nucleotide variant.
Coding change: c.1883G>T on transcript NM_024753.5 (MANE Select); coding-DNA position 1883, G replaced by T.
Protein change: p.Arg628Leu; replaces arginine 628 with leucine.
Molecular consequence: missense variant.
Genome position (GRCh38, 1-based): chr2:165,917,273, C>A on the plus strand (G>T on the coding strand, the complement: TTC21B is on the minus strand). VCF-style: chr2-165917273-C-A. GRCh37 (hg19) VCF-style: chr2-166773783-C-A.
Other names: short protein forms R628L.
Identifiers: ClinVar variation 2099354 (VCV002099354.1), dbSNP rs139653847, ClinGen allele CA349059713.

ClinVar aggregate classification (germline): Uncertain significance (1 of 4 stars; one submission).

Conditions:
Jeune thoracic dystrophy. Also called: Jeune syndrome; Infantile thoracic dystrophy; Thoracic pelvic phalangeal dystrophy; Jeune's syndrome; Chondroectodermal dysplasia-like syndrome; Short-rib thoracic dysplasia. Identifiers: Orphanet 474, MedGen C0265275, MONDO:0018770.
Nephronophthisis. Also called: Juvenile Nephronophthisis. Identifiers: Orphanet 655, MedGen C0687120, MONDO:0019005, HP:0000090.

Submission:

Labcorp Genetics (formerly Invitae), Labcorp
Classification: Uncertain significance for Jeune thoracic dystrophy; Nephronophthisis. Last evaluated: 2022-06-04. Review status: criteria provided, single submitter. Criteria: Invitae Variant Classification Sherloc (09022015). Collection method: clinical testing. Allele origin: germline.
Comment: This sequence change replaces arginine, which is basic and polar, with leucine, which is neutral and non-polar, at codon 628 of the TTC21B protein (p.Arg628Leu). This variant is not present in population databases (gnomAD no frequency). This variant has not been reported in the literature in individuals affected with TTC21B-related conditions. Algorithms developed to predict the effect of missense changes on protein structure and function (SIFT, PolyPhen-2, Align-GVGD) all suggest that this variant is likely to be tolerated. In summary, the available evidence is currently insufficient to determine the role of this variant in disease. Therefore, it has been classified as a Variant of Uncertain Significance.